The following is an entry in ClinVar:

ClinVar aggregate classification (germline): Pathogenic (1 of 4 stars; one submission).

Submission:

GeneDx
Classification: Pathogenic. Last evaluated: 2024-11-13. Review status: criteria provided, single submitter. Criteria: GeneDx Variant Classification Process June 2021. Collection method: clinical testing. Allele origin: germline. Affected: yes.
Comment: Not observed at significant frequency in large population cohorts (gnomAD); Frameshift variant predicted to result in protein truncation or nonsense mediated decay in a gene for which loss of function is a known mechanism of disease; This variant is associated with the following publications: (PMID: 35982159, 33057194)

NM_005859.5(PURA):c.531dup (p.Pro178fs)

Gene: PURA (purine rich element binding protein A; plus strand). Cytogenetic location: 5q31.3.
Variant type: Duplication.
Coding change: c.531dup on transcript NM_005859.5 (MANE Select); coding-DNA position 531, one base duplicated (G; older notation c.531dupG).
Protein change: p.Pro178fs; shifts the reading frame from proline 178.
Molecular consequence: frameshift variant.
Genome position (GRCh38, 1-based): chr5:140,114,712, G duplicated; the last of 5 consecutive G bases (chr5:140,114,708-140,114,712); duplicating any one gives the same sequence. VCF-style (leftmost placement, unchanged base first): chr5-140114707-C-CG. GRCh37 (hg19) VCF-style: chr5-139494292-C-CG.
Other names: short protein forms P178fs.
Identifiers: ClinVar variation 3899457 (VCV003899457.1).